The following is an entry in ClinVar:

NM_017882.3(CLN6):c.-27C>A

Gene: CLN6 (CLN6 transmembrane ER protein; minus strand). Cytogenetic location: 15q23.
Variant type: single nucleotide variant.
Coding change: c.-27C>A on transcript NM_017882.3 (MANE Select); 27 bases upstream of the start codon, C replaced by A.
Molecular consequence: 5 prime UTR variant.
Genome position (GRCh38, 1-based): chr15:68,229,611, G>T on the plus strand (C>A on the coding strand, the complement: CLN6 is on the minus strand). VCF-style: chr15-68229611-G-T. GRCh37 (hg19) VCF-style: chr15-68521949-G-T.
Identifiers: ClinVar variation 383615 (VCV000383615.1), dbSNP rs1024665053, ClinGen allele CA16607132.

ClinVar aggregate classification (germline): Likely benign (1 of 4 stars; one submission).

Allele frequency attached by ClinVar (database versions not stated): TOPMed 0.00004; gnomAD 0.00010 and 0.00006.
gnomAD v4.1: 75 of 1,445,504 alleles (0.0052%); highest among the groups gnomAD compares: Non-Finnish European, 0.0065%; no homozygotes.

Submission:

GeneDx
Classification: Likely benign. Last evaluated: 2016-02-18. Review status: criteria provided, single submitter. Criteria: GeneDx Variant Classification (06012015). Collection method: clinical testing. Allele origin: germline. Affected: yes.
Comment: This variant is considered likely benign or benign based on one or more of the following criteria: it is a conservative change, it occurs at a poorly conserved position in the protein, it is predicted to be benign by multiple in silico algorithms, and/or has population frequency not consistent with disease.